The following is an entry in ClinVar:

NM_001369.3(DNAH5):c.12500-1G>A

Gene: DNAH5 (dynein axonemal heavy chain 5; minus strand). Cytogenetic location: 5p15.2.
Variant type: single nucleotide variant.
Coding change: c.12500-1G>A on transcript NM_001369.3 (MANE Select); the canonical splice acceptor site of the intron before coding-DNA position 12500, G replaced by A.
Molecular consequence: splice acceptor variant.
Genome position (GRCh38, 1-based): chr5:13,717,521, C>T on the plus strand (G>A on the coding strand, the complement: DNAH5 is on the minus strand). VCF-style: chr5-13717521-C-T. GRCh37 (hg19) VCF-style: chr5-13717630-C-T.
Identifiers: ClinVar variation 1411300 (VCV001411300.7), dbSNP rs1744470051, ClinGen allele CA359208538.
Genomic context (GRCh38, chr5:13,717,521, plus strand): 5'-CGTACAGCATGGGCTTCCACTGGGACCCAGAGCTCACGTCCAGCAGGTCTTGGCTGACAC[C>T]TGTTGTGGTCAGTTGGGTGAAAAATGTATCATCTCTCAAATGTCTTTATTTTCTACTACT-3'

ClinVar aggregate classification (germline): Pathogenic (1 of 4 stars; one submission).

Conditions:
Primary ciliary dyskinesia. Also called: Ciliary dyskinesia. Identifiers: Orphanet 244, MedGen C0008780, MONDO:0016575, HP:0012265.

Allele frequency attached by ClinVar (database versions not stated): gnomAD exomes below 0.00001.
gnomAD v4.1: 3 of 1,613,870 alleles (0.00019%); highest among the groups gnomAD compares: Non-Finnish European, 0.00025%; no homozygotes.

Submission:

Labcorp Genetics (formerly Invitae), Labcorp
Classification: Pathogenic for Primary ciliary dyskinesia. Last evaluated: 2022-02-05. Review status: criteria provided, single submitter. Criteria: Invitae Variant Classification Sherloc (09022015). Collection method: clinical testing. Allele origin: germline.
Comment: For these reasons, this variant has been classified as Pathogenic. Algorithms developed to predict the effect of sequence changes on RNA splicing suggest that this variant may disrupt the consensus splice site. Disruption of this splice site has been observed in individual(s) with clinical features of primary ciliary dyskinesia (Invitae). In at least one individual the data is consistent with being in trans (on the opposite chromosome) from a pathogenic variant. This variant is not present in population databases (gnomAD no frequency). This sequence change affects an acceptor splice site in intron 72 of the DNAH5 gene. It is expected to disrupt RNA splicing. Variants that disrupt the donor or acceptor splice site typically lead to a loss of protein function (PMID: 16199547), and loss-of-function variants in DNAH5 are known to be pathogenic (PMID: 11788826, 16627867).

Literature cited by the submitters: PubMed 16199547; PubMed 11788826; PubMed 16627867.